The following is an entry in ClinVar:

NM_001844.5(COL2A1):c.4349T>C (p.Ile1450Thr)

Gene: COL2A1 (collagen type II alpha 1 chain; minus strand). Cytogenetic location: 12q13.11.
Variant type: single nucleotide variant.
Coding change: c.4349T>C on transcript NM_001844.5 (MANE Select); coding-DNA position 4349, T replaced by C.
Protein change: p.Ile1450Thr; replaces isoleucine 1450 with threonine.
Molecular consequence: missense variant.
Genome position (GRCh38, 1-based): chr12:47,973,522, A>G on the plus strand (T>C on the coding strand, the complement: COL2A1 is on the minus strand). VCF-style: chr12-47973522-A-G. GRCh37 (hg19) VCF-style: chr12-48367305-A-G.
Other names: c.4142T>C, p.Ile1381Thr (NM_033150.3); short protein forms I1381T, I1450T.
Identifiers: ClinVar variation 5019650 (VCV005019650.1).

ClinVar aggregate classification (germline): Uncertain significance (1 of 4 stars; one submission).

Conditions:
Spondyloepiphyseal dysplasia congenita (SEDC). Also called: SPONDYLOEPIPHYSEAL DYSPLASIA, CONGENITAL TYPE; SED CONGENITA. Identifiers: Orphanet 94068, MedGen C2745959, MONDO:0008471, OMIM 183900.

gnomAD v4.1: 2 of 1,614,138 alleles (0.00012%); highest among the groups gnomAD compares: Non-Finnish European, 0.00017%; no homozygotes.

Submission:

Juno Genomics, Hangzhou Juno Genomics, Inc
Classification: Uncertain significance for Spondyloepiphyseal dysplasia congenita. Review status: criteria provided, single submitter. Criteria: ACMG Guidelines, 2015. Collection method: clinical testing. Allele origin: germline. Affected: yes.
Comment: Absent from controls (or at extremely low frequency if recessive) in Genome Aggregation Database.;Multiple lines of computational evidence support a deleterious effect on the gene or gene product.;Missense variant in a gene that has a low rate of benign missense variation.;Co-segregation with disease in multiple affected family members.